The following is an entry in ClinVar:

ClinVar aggregate classification (germline): Uncertain significance (1 of 4 stars; one submission).

Conditions:
Familial hemiplegic migraine. Identifiers: MedGen C0338484, MONDO:0000700.

Allele frequency attached by ClinVar (database versions not stated): gnomAD 0.00001; gnomAD exomes 0.00001.
gnomAD v4.1: 22 of 1,614,092 alleles (0.0014%); highest among the groups gnomAD compares: Middle Eastern, 0.016%; no homozygotes.

Submission:

Labcorp Genetics (formerly Invitae), Labcorp
Classification: Uncertain significance for Familial hemiplegic migraine. Last evaluated: 2022-06-20. Review status: criteria provided, single submitter. Criteria: Invitae Variant Classification Sherloc (09022015). Collection method: clinical testing. Allele origin: germline.
Comment: In summary, the available evidence is currently insufficient to determine the role of this variant in disease. Therefore, it has been classified as a Variant of Uncertain Significance. Variants that disrupt the consensus splice site are a relatively common cause of aberrant splicing (PMID: 17576681, 9536098). Algorithms developed to predict the effect of sequence changes on RNA splicing suggest that this variant may disrupt the consensus splice site. This variant has not been reported in the literature in individuals affected with ATP1A2-related conditions. This variant is present in population databases (no rsID available, gnomAD 0.007%). This sequence change falls in intron 19 of the ATP1A2 gene. It does not directly change the encoded amino acid sequence of the ATP1A2 protein. It affects a nucleotide within the consensus splice site.

Literature cited by the submitters: PubMed 17576681; PubMed 9536098.

NM_000702.4(ATP1A2):c.2709+3G>A

Gene: ATP1A2 (ATPase Na+/K+ transporting subunit alpha 2; plus strand). Cytogenetic location: 1q23.2.
Variant type: single nucleotide variant.
Coding change: c.2709+3G>A on transcript NM_000702.4 (MANE Select); 3 bases into the intron after coding-DNA position 2709, G replaced by A.
Molecular consequence: intron variant.
Genome position (GRCh38, 1-based): chr1:160,136,718, G>A. VCF-style: chr1-160136718-G-A. GRCh37 (hg19) VCF-style: chr1-160106508-G-A.
Identifiers: ClinVar variation 1442362 (VCV001442362.6), dbSNP rs1409803053, ClinGen allele CA526593576.